The following is an entry in ClinVar:

ClinVar aggregate classification (germline): Uncertain significance (1 of 4 stars; one submission).

Conditions:
Inborn genetic diseases. Identifiers: MedGen C0950123, MeSH D030342.

Submission:

Ambry Genetics
Classification: Uncertain significance for Inborn genetic diseases. Last evaluated: 2026-09-04. Review status: criteria provided, single submitter. Criteria: Ambry Variant Classification Scheme 2023. Collection method: clinical testing. Allele origin: germline.
Comment: The p.D408A variant (also known as c.1223A>C), located in coding exon 7 of the FANCM gene, results from an A to C substitution at nucleotide position 1223. The aspartic acid at codon 408 is replaced by alanine, an amino acid with dissimilar properties. This amino acid position is conserved. In addition, this alteration is predicted to be tolerated by in silico analysis. Based on the available evidence, the clinical significance of this variant remains unclear.

NM_020937.4(FANCM):c.1223A>C (p.Asp408Ala)

Gene: FANCM (FA complementation group M; plus strand). Cytogenetic location: 14q21.2.
Variant type: single nucleotide variant.
Coding change: c.1223A>C on transcript NM_020937.4 (MANE Select); coding-DNA position 1223, A replaced by C.
Protein change: p.Asp408Ala; replaces aspartic acid 408 with alanine.
Molecular consequence: missense variant.
Genome position (GRCh38, 1-based): chr14:45,154,736, A>C. VCF-style: chr14-45154736-A-C. GRCh37 (hg19) VCF-style: chr14-45623939-A-C.
Other names: c.1145A>C, p.Asp382Ala (NM_001308133.2); c.1223A>C, p.Asp408Ala (NM_001308134.2); short protein forms D408A, D382A.
Identifiers: ClinVar variation 5021538 (VCV005021538.1).